The following is an entry in ClinVar:

NM_001005388.3(NFASC):c.1950C>T (p.Pro650=)

Gene: NFASC (neurofascin; plus strand). Cytogenetic location: 1q32.1.
Variant type: single nucleotide variant.
Coding change: c.1950C>T on transcript NM_001005388.3 (MANE Select); coding-DNA position 1950, C replaced by T.
Protein change: p.Pro650=; no amino-acid change (proline 650 retained).
Molecular consequence: synonymous variant.
Genome position (GRCh38, 1-based): chr1:204,979,041, C>T. VCF-style: chr1-204979041-C-T. GRCh37 (hg19) VCF-style: chr1-204948169-C-T.
Other names: c.1983C>T, p.Pro661= (NM_001160331.2); c.1938C>T, p.Pro646= (NM_001160332.2, NM_001365986.1, NM_015090.4); c.1950C>T, p.Pro650= (NM_001378329.1).
Identifiers: ClinVar variation 3037351 (VCV003037351.4), dbSNP rs192014745, ClinGen allele CA1350126.
Genomic context (GRCh38, chr1:204,979,041, plus strand): 5'-GCCCCGGGACCTGGAGCTGACCGACCTGGCCGAGAGGAGCGTGCGGCTGACCTGGATCCC[C>T]GGGGATGCTAACAACAGCCCCATCACAGGTAGCTCAGGGCCTTGCACCCCAAAGCTGGAA-3'
Protein context (NP_001005388.2, residues 640-660): AERSVRLTWI[Pro650=]GDANNSPITD

ClinVar aggregate classification (germline): Likely benign. Review status: criteria provided, multiple submitters, no conflicts (2 of 4 stars). 3 submissions from 3 submitters: Likely benign (2). 1 of the submissions does not count toward it. Last evaluated 2026-08-01.

Conditions:
NFASC-related disorder. Also called: NFASC-related condition.

Allele frequency attached by ClinVar (database versions not stated): ESP Exome Variant Server 0.00016; 1000 Genomes Project 0.00020; 1000 Genomes Project 30x 0.00031; TOPMed 0.00042; gnomAD 0.00045; ExAC 0.00069; gnomAD exomes 0.00078.
gnomAD v4.1: 1,157 of 1,564,180 alleles (0.074%); highest among the groups gnomAD compares: Non-Finnish European, 0.093%; 3 homozygotes.

Submissions (3):

CeGaT Center for Human Genetics Tuebingen
Classification: Likely benign. Last evaluated: 2026-08-01. Review status: criteria provided, single submitter. Criteria: CeGaT Center For Human Genetics Tuebingen Variant Classification Criteria Version 2. Collection method: clinical testing. Allele origin: germline. Affected: yes. Observed: 1 variant allele.
Comment: NFASC: BP4, BP7

Blueprint Genetics
Classification: Likely benign. Last evaluated: 2024-09-04. Review status: criteria provided, single submitter. Criteria: ACMG Guidelines, 2015. Collection method: clinical testing. Allele origin: germline.

PreventionGenetics, part of Exact Sciences
Classification: Likely benign for NFASC-related condition. Last evaluated: 2019-05-01. Review status: no assertion criteria provided. Collection method: clinical testing. Allele origin: germline. Not counted in ClinVar's aggregate classification.
Comment: This variant is classified as likely benign based on ACMG/AMP sequence variant interpretation guidelines (Richards et al. 2015 PMID: 25741868, with internal and published modifications).